The following is an entry in ClinVar:

NM_004211.5(SLC6A5):c.1591C>T (p.Arg531Cys)

Gene: SLC6A5 (solute carrier family 6 member 5; plus strand). Cytogenetic location: 11p15.1.
Variant type: single nucleotide variant.
Coding change: c.1591C>T on transcript NM_004211.5 (MANE Select); coding-DNA position 1591, C replaced by T.
Protein change: p.Arg531Cys; replaces arginine 531 with cysteine.
Molecular consequence: missense variant.
Genome position (GRCh38, 1-based): chr11:20,630,782, C>T. VCF-style: chr11-20630782-C-T. GRCh37 (hg19) VCF-style: chr11-20652328-C-T.
Other names: c.889C>T, p.Arg297Cys (NM_001318369.2); short protein forms R297C, R531C.
Identifiers: ClinVar variation 2158861 (VCV002158861.4), dbSNP rs771753499, ClinGen allele CA5921510.

ClinVar aggregate classification (germline): Uncertain significance (1 of 4 stars; one submission).

Conditions:
Hyperekplexia 3 (HKPX3). Also called: HYPEREKPLEXIA 3, AUTOSOMAL RECESSIVE; HYPEREKPLEXIA 3, AUTOSOMAL DOMINANT. Identifiers: Orphanet 3197, MedGen C3553288, MONDO:0013827, OMIM 614618.

Allele frequency attached by ClinVar (database versions not stated): TOPMed 0.00001; ExAC 0.00002; gnomAD exomes 0.00002.
gnomAD v4.1: 37 of 1,614,158 alleles (0.0023%); highest among the groups gnomAD compares: South Asian, 0.0099%; no homozygotes.

Submission:

Labcorp Genetics (formerly Invitae), Labcorp
Classification: Uncertain significance for Hyperekplexia 3. Last evaluated: 2023-08-30. Review status: criteria provided, single submitter. Criteria: Invitae Variant Classification Sherloc (09022015). Collection method: clinical testing. Allele origin: germline.
Comment: In summary, the available evidence is currently insufficient to determine the role of this variant in disease. Therefore, it has been classified as a Variant of Uncertain Significance. Advanced modeling of protein sequence and biophysical properties (such as structural, functional, and spatial information, amino acid conservation, physicochemical variation, residue mobility, and thermodynamic stability) has been performed at Invitae for this missense variant, however the output from this modeling did not meet the statistical confidence thresholds required to predict the impact of this variant on SLC6A5 protein function. ClinVar contains an entry for this variant (Variation ID: 2158861). This variant has not been reported in the literature in individuals affected with SLC6A5-related conditions. This variant is present in population databases (rs771753499, gnomAD 0.01%). This sequence change replaces arginine, which is basic and polar, with cysteine, which is neutral and slightly polar, at codon 531 of the SLC6A5 protein (p.Arg531Cys).